The following is an entry in ClinVar:

ClinVar aggregate classification (germline): Uncertain significance (1 of 4 stars; one submission).

Conditions:
Bardet-Biedl syndrome (BBS). Identifiers: Orphanet 110, MedGen C0752166, MONDO:0015229.

Allele frequency attached by ClinVar (database versions not stated): gnomAD exomes 0.00001; ExAC 0.00002; TOPMed 0.00002.

Submission:

Labcorp Genetics (formerly Invitae), Labcorp
Classification: Uncertain significance for Bardet-Biedl syndrome. Last evaluated: 2022-02-24. Review status: criteria provided, single submitter. Criteria: Invitae Variant Classification Sherloc (09022015). Collection method: clinical testing. Allele origin: germline.
Comment: This sequence change replaces isoleucine, which is neutral and non-polar, with threonine, which is neutral and polar, at codon 497 of the BBS12 protein (p.Ile497Thr). This variant is present in population databases (rs754049744, gnomAD 0.004%). This variant has not been reported in the literature in individuals affected with BBS12-related conditions. ClinVar contains an entry for this variant (Variation ID: 1007960). Algorithms developed to predict the effect of missense changes on protein structure and function (SIFT, PolyPhen-2, Align-GVGD) all suggest that this variant is likely to be disruptive. In summary, the available evidence is currently insufficient to determine the role of this variant in disease. Therefore, it has been classified as a Variant of Uncertain Significance.

NM_152618.3(BBS12):c.1490T>C (p.Ile497Thr)

Gene: BBS12 (Bardet-Biedl syndrome 12; plus strand). Cytogenetic location: 4q27.
Variant type: single nucleotide variant.
Coding change: c.1490T>C on transcript NM_152618.3 (MANE Select); coding-DNA position 1490, T replaced by C.
Protein change: p.Ile497Thr; replaces isoleucine 497 with threonine.
Molecular consequence: missense variant.
Genome position (GRCh38, 1-based): chr4:122,743,382, T>C. VCF-style: chr4-122743382-T-C. GRCh37 (hg19) VCF-style: chr4-123664537-T-C.
Other names: c.1490T>C, p.Ile497Thr (NM_001178007.2); short protein forms I497T.
Identifiers: ClinVar variation 1007960 (VCV001007960.2), dbSNP rs754049744, ClinGen allele CA3069460.